The following is an entry in ClinVar:

NM_000535.7(PMS2):c.1693T>G (p.Leu565Val)

Gene: PMS2 (PMS1 homolog 2, mismatch repair system component; minus strand). Cytogenetic location: 7p22.1.
Variant type: single nucleotide variant.
Coding change: c.1693T>G on transcript NM_000535.7 (MANE Select); coding-DNA position 1693, T replaced by G.
Protein change: p.Leu565Val; replaces leucine 565 with valine.
Molecular consequence: missense variant. On other transcripts: non-coding transcript variant (1).
Genome position (GRCh38, 1-based): chr7:5,987,072, A>C on the plus strand (T>G on the coding strand, the complement: PMS2 is on the minus strand). VCF-style: chr7-5987072-A-C. GRCh37 (hg19) VCF-style: chr7-6026703-A-C.
Other names: c.1288T>G, p.Leu430Val (NM_001322003.2, NM_001322004.2, NM_001322005.2 and 1 more transcripts); c.1537T>G, p.Leu513Val (NM_001322006.2); c.1375T>G, p.Leu459Val (NM_001322007.2, NM_001322008.2); c.1132T>G, p.Leu378Val (NM_001322010.2); c.760T>G, p.Leu254Val (NM_001322011.2, NM_001322012.2); c.1120T>G, p.Leu374Val (NM_001322013.2); c.1693T>G, p.Leu565Val (NM_001322014.2); c.1384T>G, p.Leu462Val (NM_001322015.2); short protein forms L565V, L378V, L513V, L254V, L459V, L374V, L430V, L462V.
Identifiers: ClinVar variation 186338 (VCV000186338.18), dbSNP rs786202870, ClinGen allele CA010085.

ClinVar aggregate classification (germline): Uncertain significance. Review status: criteria provided, multiple submitters, no conflicts (2 of 4 stars). 5 submissions from 5 submitters: Uncertain significance (4). 1 of the submissions does not count toward it. Last evaluated 2025-11-19.

Conditions:
Hereditary nonpolyposis colorectal neoplasms. Identifiers: MedGen C0009405, MeSH D003123.
Hereditary cancer-predisposing syndrome. Also called: Neoplastic Syndromes, Hereditary; Tumor predisposition; Hereditary Cancer Syndrome; Hereditary neoplastic syndrome. Identifiers: Orphanet 140162, MedGen C0027672, MeSH D009386, MONDO:0015356.
Lynch syndrome 4 (LYNCH4). Also called: Colorectal cancer, hereditary nonpolyposis, type 4; Hereditary non-polyposis colorectal cancer, type 4. Identifiers: Orphanet 144, MedGen C1838333, MONDO:0013699, OMIM 614337. Disease mechanism: loss of function.

Allele frequency attached by ClinVar (database versions not stated): gnomAD exomes below 0.00001.
gnomAD v4.1: 1 of 1,614,176 alleles (0.000062%); highest among the groups gnomAD compares: Non-Finnish European, 0.000085%; no homozygotes.

Submissions (5):

Labcorp Genetics (formerly Invitae), Labcorp
Classification: Uncertain significance for Hereditary nonpolyposis colorectal neoplasms. Last evaluated: 2025-11-19. Review status: criteria provided, single submitter. Criteria: Invitae Variant Classification Sherloc (09022015). Collection method: clinical testing. Allele origin: germline.
Comment: This sequence change replaces leucine, which is neutral and non-polar, with valine, which is neutral and non-polar, at codon 565 of the PMS2 protein (p.Leu565Val). This variant is not present in population databases (gnomAD no frequency). This variant has not been reported in the literature in individuals affected with PMS2-related conditions. ClinVar contains an entry for this variant (Variation ID: 186338). Invitae Evidence Modeling incorporating data from in vitro experimental studies (internal data) indicates that this missense variant is not expected to disrupt PMS2 function with a negative predictive value of 95%. In summary, the available evidence is currently insufficient to determine the role of this variant in disease. Therefore, it has been classified as a Variant of Uncertain Significance.

Color Diagnostics, LLC DBA Color Health
Classification: Uncertain significance for Hereditary cancer-predisposing syndrome. Last evaluated: 2025-11-11. Review status: criteria provided, single submitter. Criteria: ACMG Guidelines, 2015. Collection method: clinical testing. Allele origin: germline.
Comment: This missense variant replaces leucine with valine at codon 565 of the PMS2 protein. Computational prediction suggests that this variant may not impact protein structure and function. To our knowledge, functional studies have not been reported for this variant. This variant has not been reported in individuals affected with PMS2-related disorders in the literature. This variant has been identified in 1/1614176 chromosomes in the general population by the Genome Aggregation Database (gnomAD). The available evidence is insufficient to determine the role of this variant in disease conclusively. Therefore, this variant is classified as a Variant of Uncertain Significance.

Ambry Genetics
Classification: Uncertain significance for Hereditary cancer-predisposing syndrome. Last evaluated: 2025-03-01. Review status: criteria provided, single submitter. Criteria: Ambry Variant Classification Scheme 2023. Collection method: clinical testing. Allele origin: germline.

GeneDx
Classification: Uncertain significance. Last evaluated: 2022-11-21. Review status: criteria provided, single submitter. Criteria: GeneDx Variant Classification Process June 2021. Collection method: clinical testing. Allele origin: germline. Affected: yes.
Comment: Not observed at significant frequency in large population cohorts (gnomAD); In silico analysis supports that this missense variant does not alter protein structure/function; Has not been previously published as pathogenic or benign to our knowledge

Knight Diagnostic Laboratories, Oregon Health and Sciences University
Classification: Uncertain significance for Lynch syndrome 4. Last evaluated: 2015-08-13. Review status: no assertion criteria provided. Criteria: ACMG Guidelines, 2015. Collection method: clinical testing. Allele origin: germline. Affected: no. Study: CSER-NextGen. Not counted in ClinVar's aggregate classification.